The following is an entry in ClinVar:

NM_201596.3(CACNB2):c.121-4T>G

Gene: CACNB2 (calcium voltage-gated channel auxiliary subunit beta 2; plus strand). Cytogenetic location: 10p12.33.
Variant type: single nucleotide variant.
Coding change: c.121-4T>G on transcript NM_201596.3 (MANE Select); 4 bases into the intron before coding-DNA position 121, T replaced by G.
Molecular consequence: intron variant.
Genome position (GRCh38, 1-based): chr10:18,150,879, T>G. VCF-style: chr10-18150879-T-G. GRCh37 (hg19) VCF-style: chr10-18439808-T-G.
Other names: NC_000010.10:g.18439808T>G; c.37-4T>G (NM_201571.4, NM_001167945.2, NM_201572.4); c.121-4T>G (NM_201593.3, NM_201597.3).
Identifiers: ClinVar variation 136644 (VCV000136644.27), dbSNP rs74120235, ClinGen allele CA289936.
Genomic context (GRCh38, chr10:18,150,879, plus strand): 5'-ATTCCTGTTAAAGGGTCTCATAATAATCTTATTTGTCTTTTTTTTTTTTTTTTTTTTTTT[T>G]TAGTCATATGGAAAAGGAGCCAGAAGGAAAAACAGATTTAAAGGATCTGATGGAAGCACG-3'

ClinVar aggregate classification (germline): Benign/Likely benign. Review status: criteria provided, multiple submitters, no conflicts (2 of 4 stars). 9 submissions from 9 submitters: Benign (4); Likely benign (2). 3 of the submissions do not count toward it. Last evaluated 2026-06-26.

Conditions:
CACNB2-related disorder. Also called: CACNB2-related condition.
Short QT Syndrome 5.

Allele frequency attached by ClinVar (database versions not stated): gnomAD 0.00088 and 0.00087; ExAC 0.00473; gnomAD exomes 0.04703.
gnomAD v4.1: 17,489 of 1,256,432 alleles (1.4%); highest among the groups gnomAD compares: Middle Eastern, 2.3%; 61 homozygotes.

Submissions (18):

PreventionGenetics, part of Exact Sciences
Classification: Benign for CACNB2-related condition. Last evaluated: 2026-06-26. Review status: criteria provided, single submitter. Criteria: ACMG Guidelines, 2015. Collection method: clinical testing. Allele origin: germline.
Comment: This variant is classified as benign based on ACMG/AMP sequence variant interpretation guidelines (Richards et al. 2015 PMID: 25741868, with internal and published modifications).

CeGaT Center for Human Genetics Tuebingen
Classification: Likely benign. Last evaluated: 2026-02-01. Review status: criteria provided, single submitter. Criteria: CeGaT Center For Human Genetics Tuebingen Variant Classification Criteria Version 2. Collection method: clinical testing. Allele origin: germline. Affected: yes. Observed: 3 variant alleles.
Comment: CACNB2: BP4

Blueprint Genetics
Classification: Likely benign. Last evaluated: 2024-11-27. Review status: criteria provided, single submitter. Criteria: ACMG Guidelines, 2015. Collection method: clinical testing. Allele origin: germline.

Labcorp Genetics (formerly Invitae), Labcorp
Classification: Benign. Last evaluated: 2018-07-02. Review status: criteria provided, single submitter. Criteria: Invitae Variant Classification Sherloc (09022015). Collection method: clinical testing. Allele origin: germline.

GeneDx
Classification: Benign. Last evaluated: 2012-01-13. Review status: criteria provided, single submitter. Criteria: GeneDx Variant Classification (06012015). Collection method: clinical testing. Allele origin: germline. Affected: yes.
Comment: This variant is considered likely benign or benign based on one or more of the following criteria: it is a conservative change, it occurs at a poorly conserved position in the protein, it is predicted to be benign by multiple in silico algorithms, and/or has population frequency not consistent with disease.

Breakthrough Genomics
Classification: Benign. Review status: criteria provided, single submitter. Criteria: ACMG Guidelines, 2015. Collection method: not provided. Allele origin: germline. Inheritance: Autosomal dominant inheritance. Affected: yes.

Knight Diagnostic Laboratories, Oregon Health and Sciences University
Classification: Uncertain significance for Short QT Syndrome 5. Last evaluated: 2015-10-23. Review status: no assertion criteria provided. Criteria: ACMG Guidelines, 2015. Collection method: clinical testing. Allele origin: germline. Affected: no. Study: CSER-NextGen. Not counted in ClinVar's aggregate classification.

Clinical Genetics, Academic Medical Center
Classification: Benign. Review status: no assertion criteria provided. Collection method: clinical testing. Allele origin: germline. Affected: yes. Study: VKGL Data-share Consensus. Not counted in ClinVar's aggregate classification.

Dr. Peter K. Rogan Lab, Western University
No classification provided (evidence only). Condition: Colorectal cancer. Review status: no classification provided. Collection method: in vitro. Allele origin: not applicable. Functional consequence: retained intron. Not counted in ClinVar's aggregate classification.

Dr. Peter K. Rogan Lab, Western University
No classification provided (evidence only). Condition: Uterine corpus endometrial carcinoma. Review status: no classification provided. Collection method: in vitro. Allele origin: not applicable. Functional consequence: retained intron. Not counted in ClinVar's aggregate classification.

Dr. Peter K. Rogan Lab, Western University
No classification provided (evidence only). Condition: Sarcoma. Review status: no classification provided. Collection method: in vitro. Allele origin: not applicable. Functional consequence: retained intron. Not counted in ClinVar's aggregate classification.

Dr. Peter K. Rogan Lab, Western University
No classification provided (evidence only). Condition: Sarcoma. Review status: no classification provided. Collection method: in vitro. Allele origin: not applicable. Functional consequence: retained intron. Not counted in ClinVar's aggregate classification.

Dr. Peter K. Rogan Lab, Western University
No classification provided (evidence only). Condition: Thymoma. Review status: no classification provided. Collection method: in vitro. Allele origin: not applicable. Functional consequence: retained intron. Not counted in ClinVar's aggregate classification.

Dr. Peter K. Rogan Lab, Western University
No classification provided (evidence only). Condition: Thymoma. Review status: no classification provided. Collection method: in vitro. Allele origin: not applicable. Functional consequence: retained intron. Not counted in ClinVar's aggregate classification.

Dr. Peter K. Rogan Lab, Western University
No classification provided (evidence only). Condition: Thymoma. Review status: no classification provided. Collection method: in vitro. Allele origin: not applicable. Functional consequence: retained intron. Not counted in ClinVar's aggregate classification.

Dr. Peter K. Rogan Lab, Western University
No classification provided (evidence only). Condition: Cholangiocarcinoma. Review status: no classification provided. Collection method: in vitro. Allele origin: not applicable. Functional consequence: retained intron. Not counted in ClinVar's aggregate classification.

Dr. Peter K. Rogan Lab, Western University
No classification provided (evidence only). Condition: Cholangiocarcinoma. Review status: no classification provided. Collection method: in vitro. Allele origin: not applicable. Functional consequence: retained intron. Not counted in ClinVar's aggregate classification.

Joint Genome Diagnostic Labs from Nijmegen and Maastricht, Radboudumc and MUMC+
Classification: Benign. Review status: no assertion criteria provided. Collection method: clinical testing. Allele origin: germline. Affected: yes. Study: VKGL Data-share Consensus. Not counted in ClinVar's aggregate classification.